The following is an entry in ClinVar:

ClinVar aggregate classification (germline): Uncertain significance (1 of 4 stars; one submission).

Submission:

GeneDx
Classification: Uncertain significance. Last evaluated: 2025-08-05. Review status: criteria provided, single submitter. Criteria: GeneDx Variant Classification Process June 2021. Collection method: clinical testing. Allele origin: germline. Affected: yes.
Comment: Not observed at significant frequency in large population cohorts (gnomAD); In silico analysis supports that this missense variant has a deleterious effect on protein structure/function; Has not been previously published as pathogenic or benign to our knowledge; Does not affect a cysteine or calcium-binding residue within an EGF-like domain or a TGF-binding protein domain of the FBN1 gene; cysteine substitutions in the EGF-like domains represent the majority of pathogenic missense changes associated with FBN1-related disorders (PMID: 12938084); This variant is associated with the following publications: (PMID: 12938084)

NM_000138.5(FBN1):c.3074T>C (p.Phe1025Ser)

Gene: FBN1 (fibrillin 1; minus strand). Cytogenetic location: 15q21.1.
Variant type: single nucleotide variant.
Coding change: c.3074T>C on transcript NM_000138.5 (MANE Select); coding-DNA position 3074, T replaced by C.
Protein change: p.Phe1025Ser; replaces phenylalanine 1025 with serine.
Molecular consequence: missense variant.
Genome position (GRCh38, 1-based): chr15:48,489,859, A>G on the plus strand (T>C on the coding strand, the complement: FBN1 is on the minus strand). VCF-style: chr15-48489859-A-G. GRCh37 (hg19) VCF-style: chr15-48782056-A-G.
Other names: c.3074T>C, p.Phe1025Ser (NM_001406716.1); short protein forms F1025S.
Identifiers: ClinVar variation 4755981 (VCV004755981.1).
Genomic context (GRCh38, chr15:48,489,859, plus strand): 5'-CCTATTTGTCTAAAAAGGGAGGCAATTGGCCATGGAAAACGTAACATTGTACCTTTGAAG[A>G]AAGGCTTTCCATTTGTAATTTCTTTTGTGGCAAATCCGGGTCCTCTCGGACACAGCTCCT-3'
Protein context (NP_000129.3, residues 1015-1035): ATKEITNGKP[Phe1025Ser]FKDINECKMI